The following is an entry in ClinVar:

NM_001369.3(DNAH5):c.6358_6359insTGCACTCAGCAGCACGA (p.Ala2120fs)

Gene: DNAH5 (dynein axonemal heavy chain 5; minus strand). Cytogenetic location: 5p15.2.
Variant type: Insertion.
Coding change: c.6358_6359insTGCACTCAGCAGCACGA on transcript NM_001369.3 (MANE Select); coding-DNA positions 6358 to 6359, TGCACTCAGCAGCACGA inserted.
Protein change: p.Ala2120fs; shifts the reading frame from alanine 2120.
Molecular consequence: frameshift variant.
Genome position: GRCh38 VCF-style: chr5-13829595-G-GTCGTGCTGCTGAGTGCA. GRCh37 (hg19) VCF-style: chr5-13829704-G-GTCGTGCTGCTGAGTGCA.
Other names: short protein forms A2120fs.
Identifiers: ClinVar variation 5010674 (VCV005010674.1).

ClinVar aggregate classification (germline): Pathogenic (1 of 4 stars; one submission).

Conditions:
Primary ciliary dyskinesia 3. Identifiers: Orphanet 244, MedGen C1837618, MONDO:0012085, OMIM 608644.

Submission:

Myriad Genetics, Inc.
Classification: Pathogenic for Primary ciliary dyskinesia 3. Last evaluated: 2024-05-14. Review status: criteria provided, single submitter. Criteria: Myriad Autosomal Dominant, Autosomal Recessive and X-Linked Classification Criteria (2023). Collection method: clinical testing. Allele origin: unknown.
Comment: NM_001369.2(DNAH5):c.6358_6359ins17(A2120Vfs*75) is expected to be pathogenic in the context of primary ciliary dyskinesia, DNAH5-related. This variant is predicted to lead to an abnormal or absent protein product due to the creation of a premature termination codon in DNAH5, a gene where loss-of-function variants are known to be pathogenic. Please note: this variant was assessed in the context of healthy population screening.